The following is an entry in ClinVar:

ClinVar aggregate classification (germline): Pathogenic/Likely pathogenic. Review status: criteria provided, multiple submitters, no conflicts (2 of 4 stars). 3 submissions from 3 submitters: Pathogenic (2); Likely pathogenic (1). Last evaluated 2024-10-18.

Conditions:
Cardiovascular phenotype. Identifiers: MedGen CN230736.
Danon disease. Also called: Glycogen Storage Disease Type IIb; PSEUDOGLYCOGENOSIS II; GSD IIb; LYSOSOMAL GLYCOGEN STORAGE DISEASE WITHOUT ACID MALTASE DEFICIENCY; ANTOPOL DISEASE. Identifiers: Orphanet 34587, MedGen C0878677, MONDO:0010281, OMIM 300257.

Submissions (3):

Labcorp Genetics (formerly Invitae), Labcorp
Classification: Pathogenic for Danon disease. Last evaluated: 2024-10-18. Review status: criteria provided, single submitter. Criteria: Invitae Variant Classification Sherloc (09022015). Collection method: clinical testing. Allele origin: germline.
Comment: This sequence change creates a premature translational stop signal (p.Gln359*) in the LAMP2 gene. While this is not anticipated to result in nonsense mediated decay, it is expected to disrupt the last 52 amino acid(s) of the LAMP2 protein. This variant is not present in population databases (gnomAD no frequency). This premature translational stop signal has been observed in individual(s) with Danon disease (PMID: 16144992, 19057086). ClinVar contains an entry for this variant (Variation ID: 372712). This variant disrupts a region of the LAMP2 protein in which other variant(s) (p.Lys361Serfs*19) have been determined to be pathogenic (PMID: 17899313). This suggests that this is a clinically significant region of the protein, and that variants that disrupt it are likely to be disease-causing. For these reasons, this variant has been classified as Pathogenic.

Ambry Genetics
Classification: Pathogenic for Cardiovascular phenotype. Last evaluated: 2019-04-16. Review status: criteria provided, single submitter. Criteria: Ambry Variant Classification Scheme 2023. Collection method: clinical testing. Allele origin: germline.
Comment: The p.Q359* pathogenic mutation (also known as c.1075C>T), located in coding exon 8 of the LAMP2 gene, results from a C to T substitution at nucleotide position 1075. This changes the amino acid from a glutamine to a stop codon within coding exon 8. Premature stop codons are typically deleterious in nature, however, this stop codon occurs at the 3' terminus of LAMP2, is not expected to trigger nonsense-mediated mRNA decay, and impacts only the last 50 amino acids of the protein. The exact functional impact of these altered amino acids is unknown at this time. However, this mutation has been reported in a proband with early onset hypertrophic cardiomyopathy (HCM), arrhythmia, muscle weakness, mild developmental delay, attention deficit disorder, significant family history, and absence of LAMP2 protein on cardiomyocyte and skeletal muscle biopsies (Yang Z et al. Circulation, 2005 Sep;112:1612-7). In addition, a downstream mutation, p.Q361Sfs*15, has been reported in a family with Danon disease (Taylor MR et al. J. Hum. Genet., 2007;52:830-5). Based on the supporting evidence, this alteration is interpreted as a disease-causing mutation.

GeneDx
Classification: Likely pathogenic. Last evaluated: 2016-08-19. Review status: criteria provided, single submitter. Criteria: GeneDx Variant Classification (06012015). Collection method: clinical testing. Allele origin: germline. Affected: yes.
Comment: Q359X is predicted to cause loss of normal protein function either through the loss of 52 amino acids resulting in a truncated protein product. Furthermore, cell and immunostaining studies on skeletal and myocardial biopsy samples from the proband revealed no detectable LAMP2 protein expression (Yang et al., 2005). Other nonsense variants in the LAMP2 gene have been reported in HGMD in association with Danon disease (Stenson et al., 2014). Furthermore, the Q359X pathogenic variant was not observed in approximately 6,500 individuals of European and African American ancestry in the NHLBI Exome Sequencing Project, indicating it is not a common benign variant in these populations. In summary, Q359X in the LAMP2 gene is interpreted as a likely pathogenic variant.

Literature cited by the submitters: PubMed 16144992 (cited by Labcorp Genetics (formerly Invitae), Labcorp and Ambry Genetics); PubMed 19057086 (cited by Labcorp Genetics (formerly Invitae), Labcorp); PubMed 17899313 (cited by Labcorp Genetics (formerly Invitae), Labcorp and Ambry Genetics); PubMed 27460667 (cited by Ambry Genetics).

NM_002294.3(LAMP2):c.1075C>T (p.Gln359Ter)

Gene: LAMP2 (lysosome associated membrane protein 2; minus strand). Cytogenetic location: Xq24.
Variant type: single nucleotide variant.
Coding change: c.1075C>T on transcript NM_002294.3 (MANE Select); coding-DNA position 1075, C replaced by T.
Protein change: p.Gln359Ter; replaces glutamine 359 with a stop codon.
Molecular consequence: nonsense.
Genome position (GRCh38, 1-based): chrX:120,441,748, G>A on the plus strand (C>T on the coding strand, the complement: LAMP2 is on the minus strand). VCF-style: chrX-120441748-G-A. GRCh37 (hg19) VCF-style: chrX-119575603-G-A.
Other names: c.1075C>T, p.Gln359Ter (NM_001122606.1, NM_013995.2); short protein forms Q359*.
Identifiers: ClinVar variation 372712 (VCV000372712.6), dbSNP rs1057517940, ClinGen allele CA16043204.